The following is an entry in ClinVar:

NM_015474.4(SAMHD1):c.211A>T (p.Asn71Tyr)

Gene: SAMHD1 (SAM and HD domain containing deoxynucleoside triphosphate triphosphohydrolase 1; minus strand). Cytogenetic location: 20q11.23.
Variant type: single nucleotide variant.
Coding change: c.211A>T on transcript NM_015474.4 (MANE Select); coding-DNA position 211, A replaced by T.
Protein change: p.Asn71Tyr; replaces asparagine 71 with tyrosine.
Molecular consequence: missense variant.
Genome position (GRCh38, 1-based): chr20:36,946,802, T>A on the plus strand (A>T on the coding strand, the complement: SAMHD1 is on the minus strand). VCF-style: chr20-36946802-T-A. GRCh37 (hg19) VCF-style: chr20-35575205-T-A.
Other names: c.211A>T, p.Asn71Tyr (NM_001363729.2, NM_001363733.2); short protein forms N71Y.
Identifiers: ClinVar variation 2009460 (VCV002009460.4), dbSNP rs2515279128, ClinGen allele CA408830816.

ClinVar aggregate classification (germline): Uncertain significance (1 of 4 stars; one submission).

Conditions:
Aicardi-Goutieres syndrome 5. Identifiers: Orphanet 51, MedGen C2749659, MONDO:0013059, OMIM 612952.

Submission:

Labcorp Genetics (formerly Invitae), Labcorp
Classification: Uncertain significance for Aicardi-Goutieres syndrome 5. Last evaluated: 2022-06-22. Review status: criteria provided, single submitter. Criteria: Invitae Variant Classification Sherloc (09022015). Collection method: clinical testing. Allele origin: germline.
Comment: In summary, the available evidence is currently insufficient to determine the role of this variant in disease. Therefore, it has been classified as a Variant of Uncertain Significance. Algorithms developed to predict the effect of missense changes on protein structure and function are either unavailable or do not agree on the potential impact of this missense change (SIFT: "Deleterious"; PolyPhen-2: "Possibly Damaging"; Align-GVGD: "Class C0"). This variant has not been reported in the literature in individuals affected with SAMHD1-related conditions. This variant is not present in population databases (gnomAD no frequency). This sequence change replaces asparagine, which is neutral and polar, with tyrosine, which is neutral and polar, at codon 71 of the SAMHD1 protein (p.Asn71Tyr).